The following is an entry in ClinVar:

ClinVar aggregate classification (germline): Uncertain significance (1 of 4 stars; one submission).

gnomAD v4.1: 2 of 1,613,702 alleles (0.00012%); highest among the groups gnomAD compares: Non-Finnish European, 0.00017%; no homozygotes.

Submission:

CeGaT Center for Human Genetics Tuebingen
Classification: Uncertain significance. Last evaluated: 2026-03-01. Review status: criteria provided, single submitter. Criteria: CeGaT Center For Human Genetics Tuebingen Variant Classification Criteria Version 2. Collection method: clinical testing. Allele origin: germline. Affected: yes. Observed: 1 variant allele.
Comment: RFX3: PP2

NM_001282116.2(RFX3):c.1249A>T (p.Thr417Ser)

Gene: RFX3 (regulatory factor X3; minus strand). Cytogenetic location: 9p24.2.
Variant type: single nucleotide variant.
Coding change: c.1249A>T on transcript NM_001282116.2 (MANE Select); coding-DNA position 1249, A replaced by T.
Protein change: p.Thr417Ser; replaces threonine 417 with serine.
Molecular consequence: missense variant.
Genome position (GRCh38, 1-based): chr9:3,270,479, T>A on the plus strand (A>T on the coding strand, the complement: RFX3 is on the minus strand). VCF-style: chr9-3270479-T-A. GRCh37 (hg19) VCF-style: chr9-3270479-T-A.
Other names: c.1249A>T, p.Thr417Ser (NM_001377999.1, NM_002919.4, NM_134428.3); short protein forms T417S.
Identifiers: ClinVar variation 4822565 (VCV004822565.4).